The following is an entry in ClinVar:

NM_000458.4(HNF1B):c.1237del (p.Val413fs)

Gene: HNF1B (HNF1 homeobox B; minus strand). Cytogenetic location: 17q12.
Variant type: Deletion.
Coding change: c.1237del on transcript NM_000458.4 (MANE Select); coding-DNA position 1237, one base deleted (G; older notation c.1237delG).
Protein change: p.Val413fs; shifts the reading frame from valine 413.
Molecular consequence: frameshift variant.
Genome position (GRCh38, 1-based): chr17:37,705,019, C deleted on the plus strand (G on the coding strand, the reverse complement: HNF1B is on the minus strand). VCF-style (leftmost placement, unchanged base first): chr17-37705018-AC-A. GRCh37 (hg19) VCF-style: chr17-36065025-AC-A.
Other names: c.1159del, p.Val387fs (NM_001165923.4, NM_001304286.2); c.1237del, p.Val413fs (NM_001411100.1); short protein forms V387fs, V413fs.
Identifiers: ClinVar variation 2631430 (VCV002631430.1), dbSNP rs2511709958, ClinGen allele CA2695201333.

ClinVar aggregate classification (germline): Likely pathogenic (1 of 4 stars; one submission).

Conditions:
HNF1B-related disorder. Also called: HNF1B-related disorders; HNF1B-related condition.

Submission:

PreventionGenetics, part of Exact Sciences
Classification: Likely pathogenic for HNF1B-related condition. Last evaluated: 2023-07-26. Review status: criteria provided, single submitter. Criteria: ACMG Guidelines, 2015. Collection method: clinical testing. Allele origin: germline.
Comment: The HNF1B c.1237delG variant is predicted to result in a frameshift and premature protein termination (p.Val413Serfs*4). To our knowledge, this variant has not been reported in the literature or in a large population database, indicating this variant is rare. Frameshift variants in HNF1B are expected to be pathogenic. This variant is interpreted as likely pathogenic.